The following is an entry in ClinVar:

NM_172362.3(KCNH1):c.309C>T (p.Asn103=)

Gene: KCNH1 (potassium voltage-gated channel subfamily H member 1; minus strand). Cytogenetic location: 1q32.2.
Variant type: single nucleotide variant.
Coding change: c.309C>T on transcript NM_172362.3 (MANE Select); coding-DNA position 309, C replaced by T.
Protein change: p.Asn103=; no amino-acid change (asparagine 103 retained).
Molecular consequence: synonymous variant.
Genome position (GRCh38, 1-based): chr1:211,103,497, G>A on the plus strand (C>T on the coding strand, the complement: KCNH1 is on the minus strand). VCF-style: chr1-211103497-G-A. GRCh37 (hg19) VCF-style: chr1-211276839-G-A.
Other names: c.309C>T, p.Asn103= (NM_002238.4).
Identifiers: ClinVar variation 1495513 (VCV001495513.6), dbSNP rs1558605641, ClinGen allele CA423111527.
Genomic context (GRCh38, chr1:211,103,497, plus strand): 5'-GAGATATTTTACTATTTCAAACACATAAAGGTATGGTTCAGAATGGTCTCAATACTCACT[G>A]TTCTTCTTGTACATCAGAATTTCAAAGGAATTCATCTCATAGTTCTCAAATGTTTGCCGC-3'
Protein context (NP_758872.1, residues 93-113): NSFEILMYKK[Asn103=]RTPVWFFVKI

ClinVar aggregate classification (germline): Uncertain significance (1 of 4 stars; one submission).

Allele frequency attached by ClinVar (database versions not stated): TOPMed below 0.00001; gnomAD exomes 0.00001 and 0.00002.
gnomAD v4.1: 7 of 1,590,564 alleles (0.00044%); highest among the groups gnomAD compares: South Asian, 0.0078%; no homozygotes.

Submission:

Labcorp Genetics (formerly Invitae), Labcorp
Classification: Uncertain significance. Last evaluated: 2024-10-15. Review status: criteria provided, single submitter. Criteria: Invitae Variant Classification Sherloc (09022015). Collection method: clinical testing. Allele origin: germline.
Comment: This sequence change affects codon 103 of the KCNH1 mRNA. It is a 'silent' change, meaning that it does not change the encoded amino acid sequence of the KCNH1 protein. It affects a nucleotide within the consensus splice site. This variant is present in population databases (no rsID available, gnomAD 0.01%). This variant has not been reported in the literature in individuals affected with KCNH1-related conditions. ClinVar contains an entry for this variant (Variation ID: 1495513). Algorithms developed to predict the effect of sequence changes on RNA splicing suggest that this variant is not likely to affect RNA splicing. In summary, the available evidence is currently insufficient to determine the role of this variant in disease. Therefore, it has been classified as a Variant of Uncertain Significance.